The following is an entry in ClinVar:

ClinVar aggregate classification (germline): Uncertain significance. Review status: criteria provided, multiple submitters, no conflicts (2 of 4 stars). 2 submissions from 2 submitters: Uncertain significance (2). Last evaluated 2024-02-29.

Conditions:
Renal cell carcinoma. Identifiers: Orphanet 217071, MedGen C0007134, MeSH D002292, MONDO:0005086, HP:0005584.
Hereditary cancer-predisposing syndrome. Also called: Hereditary Cancer Syndrome; Hereditary neoplastic syndrome; Neoplastic Syndromes, Hereditary; Tumor predisposition. Identifiers: Orphanet 140162, MedGen C0027672, MeSH D009386, MONDO:0015356.

Allele frequency attached by ClinVar (database versions not stated): gnomAD exomes below 0.00001; TOPMed below 0.00001; gnomAD 0.00001.
gnomAD v4.1: 2 of 1,613,964 alleles (0.00012%); highest among the groups gnomAD compares: Non-Finnish European, 0.00017%; no homozygotes.

Submissions (2):

Ambry Genetics
Classification: Uncertain significance for Hereditary cancer-predisposing syndrome. Last evaluated: 2024-02-29. Review status: criteria provided, single submitter. Criteria: Ambry Variant Classification Scheme 2023. Collection method: clinical testing. Allele origin: germline.
Comment: The p.S823F variant (also known as c.2468C>T), located in coding exon 10 of the MET gene, results from a C to T substitution at nucleotide position 2468. The serine at codon 823 is replaced by phenylalanine, an amino acid with highly dissimilar properties. This amino acid position is highly conserved in available vertebrate species. In addition, this alteration is predicted to be deleterious by in silico analysis. Based on the available evidence, the clinical significance of this alteration remains unclear.

Labcorp Genetics (formerly Invitae), Labcorp
Classification: Uncertain significance for Renal cell carcinoma. Last evaluated: 2023-08-31. Review status: criteria provided, single submitter. Criteria: Invitae Variant Classification Sherloc (09022015). Collection method: clinical testing. Allele origin: germline.
Comment: This sequence change replaces serine, which is neutral and polar, with phenylalanine, which is neutral and non-polar, at codon 823 of the MET protein (p.Ser823Phe). This variant is present in population databases (no rsID available, gnomAD 0.007%). This variant has not been reported in the literature in individuals affected with MET-related conditions. ClinVar contains an entry for this variant (Variation ID: 454214). Advanced modeling of protein sequence and biophysical properties (such as structural, functional, and spatial information, amino acid conservation, physicochemical variation, residue mobility, and thermodynamic stability) performed at Invitae indicates that this missense variant is not expected to disrupt MET protein function. In summary, the available evidence is currently insufficient to determine the role of this variant in disease. Therefore, it has been classified as a Variant of Uncertain Significance.

NM_000245.4(MET):c.2414C>T (p.Ser805Phe)

Gene: MET (MET proto-oncogene, receptor tyrosine kinase; plus strand). Cytogenetic location: 7q31.2.
Variant type: single nucleotide variant.
Coding change: c.2414C>T on transcript NM_000245.4 (MANE Select); coding-DNA position 2414, C replaced by T.
Protein change: p.Ser805Phe; replaces serine 805 with phenylalanine.
Molecular consequence: missense variant.
Genome position (GRCh38, 1-based): chr7:116,763,099, C>T. VCF-style: chr7-116763099-C-T. GRCh37 (hg19) VCF-style: chr7-116403153-C-T.
Other names: c.2468C>T, p.Ser823Phe (NM_001127500.3); c.2414C>T, p.Ser805Phe (NM_001324401.3); c.1124C>T, p.Ser375Phe (NM_001324402.2); short protein forms S823F, S375F, S805F.
Identifiers: ClinVar variation 454214 (VCV000454214.11), dbSNP rs1410859976, ClinGen allele CA368983065.